The following is an entry in ClinVar:

NM_001378454.1(ALMS1):c.244G>C (p.Ala82Pro)

Gene: ALMS1 (ALMS1 centrosome and basal body associated protein; plus strand). Cytogenetic location: 2p13.1.
Variant type: single nucleotide variant.
Coding change: c.244G>C on transcript NM_001378454.1 (MANE Select); coding-DNA position 244, G replaced by C.
Protein change: p.Ala82Pro; replaces alanine 82 with proline.
Molecular consequence: missense variant.
Genome position (GRCh38, 1-based): chr2:73,386,112, G>C. VCF-style: chr2-73386112-G-C. GRCh37 (hg19) VCF-style: chr2-73613240-G-C.
Other names: c.247G>C, p.Ala83Pro (NM_015120.4); short protein forms A82P, A83P.
Identifiers: ClinVar variation 1385506 (VCV001385506.3), dbSNP rs1453391868, ClinGen allele CA347250916.

ClinVar aggregate classification (germline): Uncertain significance (1 of 4 stars; one submission).

Conditions:
Alstrom syndrome (ALMS). Identifiers: Orphanet 64, MedGen C0268425, MONDO:0008763, OMIM 203800.

Allele frequency attached by ClinVar (database versions not stated): gnomAD exomes below 0.00001 and 0.00001; gnomAD 0.00001.
gnomAD v4.1: 5 of 1,584,672 alleles (0.00032%); highest among the groups gnomAD compares: East Asian, 0.012%; no homozygotes.

Submission:

Labcorp Genetics (formerly Invitae), Labcorp
Classification: Uncertain significance for Alstrom syndrome. Last evaluated: 2022-10-25. Review status: criteria provided, single submitter. Criteria: Invitae Variant Classification Sherloc (09022015). Collection method: clinical testing. Allele origin: germline.
Comment: This sequence change replaces alanine, which is neutral and non-polar, with proline, which is neutral and non-polar, at codon 83 of the ALMS1 protein (p.Ala83Pro). The frequency data for this variant in the population databases is considered unreliable, as metrics indicate poor data quality at this position in the gnomAD database. This variant has not been reported in the literature in individuals affected with ALMS1-related conditions. ClinVar contains an entry for this variant (Variation ID: 1385506). Experimental studies and prediction algorithms are not available or were not evaluated, and the functional significance of this variant is currently unknown. In summary, the available evidence is currently insufficient to determine the role of this variant in disease. Therefore, it has been classified as a Variant of Uncertain Significance.